The following is an entry in ClinVar:

ClinVar aggregate classification (germline): Benign. Review status: criteria provided, single submitter (1 of 4 stars). 2 submissions from 1 submitter: Benign (2). Last evaluated 2018-01-12.

Conditions:
Tumoral calcinosis, hyperphosphatemic, familial, 2. Identifiers: MedGen C4693863, MONDO:0060714, OMIM 617993.
Autosomal dominant hypophosphatemic rickets (ADHR). Also called: HYPOPHOSPHATEMIA, AUTOSOMAL DOMINANT; VITAMIN D-RESISTANT RICKETS, AUTOSOMAL DOMINANT. Identifiers: Orphanet 89937, MedGen C0342642, MONDO:0008660, OMIM 193100.

Allele frequency attached by ClinVar (database versions not stated): gnomAD exomes 0.00067; gnomAD 0.00364 and 0.00387; TOPMed 0.00439; 1000 Genomes Project 0.00579; 1000 Genomes Project 30x 0.00593.
gnomAD v4.1: 594 of 220,286 alleles (0.27%); highest among the groups gnomAD compares: African/African-American, 1.2%; 7 homozygotes.

Submissions (2):

Illumina Laboratory Services, Illumina
Classification: Benign for Autosomal dominant hypophosphatemic rickets. Last evaluated: 2018-01-12. Review status: criteria provided, single submitter. Criteria: ICSL Variant Classification Criteria 13 December 2019. Collection method: clinical testing. Allele origin: germline.
Comment: This variant was observed in the ICSL laboratory as part of a predisposition screen in an ostensibly healthy population. It had not been previously curated by ICSL or reported in the Human Gene Mutation Database (HGMD: prior to June 1st, 2018), and was therefore a candidate for classification through an automated scoring system. Utilizing variant allele frequency, disease prevalence and penetrance estimates, and inheritance mode, an automated score was calculated to assess if this variant is too frequent to cause the disease. Based on the score and internal cut-off values, a variant classified as benign is not then subjected to further curation. The score for this variant resulted in a classification of benign for this disease.

Illumina Laboratory Services, Illumina
Classification: Benign for Tumoral calcinosis, hyperphosphatemic, familial, 2. Last evaluated: 2018-01-12. Review status: criteria provided, single submitter. Criteria: ICSL Variant Classification Criteria 13 December 2019. Collection method: clinical testing. Allele origin: germline.
Comment: the same text as in the submission from Illumina Laboratory Services, Illumina above.

NM_020638.3(FGF23):c.*1464T>C

Gene: FGF23 (fibroblast growth factor 23; minus strand). Cytogenetic location: 12p13.32.
Variant type: single nucleotide variant.
Coding change: c.*1464T>C on transcript NM_020638.3 (MANE Select); 1464 bases downstream of the stop codon, T replaced by C.
Molecular consequence: 3 prime UTR variant.
Genome position (GRCh38, 1-based): chr12:4,368,879, A>G on the plus strand (T>C on the coding strand, the complement: FGF23 is on the minus strand). VCF-style: chr12-4368879-A-G. GRCh37 (hg19) VCF-style: chr12-4478045-A-G.
Identifiers: ClinVar variation 880633 (VCV000880633.4), dbSNP rs144700678, ClinGen allele CA231756370.